The following is an entry in ClinVar:

NM_031844.3(HNRNPU):c.1744-19T>G

Gene: HNRNPU (heterogeneous nuclear ribonucleoprotein U; minus strand). Cytogenetic location: 1q44.
Variant type: single nucleotide variant.
Coding change: c.1744-19T>G on transcript NM_031844.3 (MANE Select); 19 bases into the intron before coding-DNA position 1744, T replaced by G.
Molecular consequence: intron variant.
Genome position (GRCh38, 1-based): chr1:244,856,644, A>C on the plus strand (T>G on the coding strand, the complement: HNRNPU is on the minus strand). VCF-style: chr1-244856644-A-C. GRCh37 (hg19) VCF-style: chr1-245019946-A-C.
Other names: c.1687-19T>G (NM_004501.3).
Identifiers: ClinVar variation 1369911 (VCV001369911.6), dbSNP rs758459772, ClinGen allele CA1486380.

ClinVar aggregate classification (germline): Uncertain significance (1 of 4 stars; one submission).

Conditions:
Developmental and epileptic encephalopathy, 54. Also called: HNRNPU-Related Neurodevelopmental Disorder; Epileptic encephalopathy, early infantile, 54. Identifiers: MedGen C4479319, MONDO:0033363, OMIM 617391.

Allele frequency attached by ClinVar (database versions not stated): ExAC 0.00001; gnomAD 0.00001; gnomAD exomes 0.00001.
gnomAD v4.1: 13 of 1,611,764 alleles (0.00081%); highest among the groups gnomAD compares: Non-Finnish European, 0.001%; no homozygotes.

Submission:

Labcorp Genetics (formerly Invitae), Labcorp
Classification: Uncertain significance for Developmental and epileptic encephalopathy, 54. Last evaluated: 2022-09-29. Review status: criteria provided, single submitter. Criteria: Invitae Variant Classification Sherloc (09022015). Collection method: clinical testing. Allele origin: germline.
Comment: This sequence change falls in intron 9 of the HNRNPU gene. It does not directly change the encoded amino acid sequence of the HNRNPU protein. This variant is present in population databases (rs758459772, gnomAD 0.005%). This variant has not been reported in the literature in individuals affected with HNRNPU-related conditions. ClinVar contains an entry for this variant (Variation ID: 1369911). Algorithms developed to predict the effect of sequence changes on RNA splicing suggest that this variant may create or strengthen a splice site. In summary, the available evidence is currently insufficient to determine the role of this variant in disease. Therefore, it has been classified as a Variant of Uncertain Significance.